The following is an entry in ClinVar:

ClinVar aggregate classification (germline): Pathogenic (1 of 4 stars; one submission).

Conditions:
DICER1-related tumor predisposition. Also called: DICER1 syndrome; DICER1-related pleuropulmonary blastoma cancer predisposition syndrome. Identifiers: Orphanet 284343, MedGen C3839822, MONDO:0100216.

Submission:

Labcorp Genetics (formerly Invitae), Labcorp
Classification: Pathogenic for DICER1-related tumor predisposition. Last evaluated: 2020-12-22. Review status: criteria provided, single submitter. Criteria: Invitae Variant Classification Sherloc (09022015). Collection method: clinical testing. Allele origin: germline.
Comment: For these reasons, this variant has been classified as Pathogenic. This variant has not been reported in the literature in individuals with DICER1-related conditions. This variant is not present in population databases (ExAC no frequency). This sequence change creates a premature translational stop signal (p.Asp1440*) in the DICER1 gene. It is expected to result in an absent or disrupted protein product. Loss-of-function variants in DICER1 are known to be pathogenic (PMID: 19556464, 21266384).

Literature cited by the submitters: PubMed 19556464; PubMed 21266384.

NM_177438.3(DICER1):c.4318_4319del (p.Glu1439_Asp1440insTer)

Gene: DICER1 (dicer 1, ribonuclease III; minus strand). Cytogenetic location: 14q32.13.
Variant type: Deletion.
Coding change: c.4318_4319del on transcript NM_177438.3 (MANE Select); coding-DNA positions 4318 to 4319, 2 bases deleted (GA; older notation c.4318_4319delGA).
Protein change: p.Glu1439_Asp1440insTer.
Molecular consequence: nonsense.
Genome position (GRCh38, 1-based): chr14:95,096,601-95,096,602, TC deleted on the plus strand (GA on the coding strand, the reverse complement: DICER1 is on the minus strand); deleting any 2 consecutive bases within chr14:95,096,601-95,096,603 gives the same sequence; the c. name uses the placement nearest the transcript's 3' end. VCF-style (leftmost placement, unchanged base first): chr14-95096600-ATC-A. GRCh37 (hg19) VCF-style: chr14-95562937-ATC-A.
Other names: c.4318_4319del, p.Glu1439_Asp1440insTer (NM_001195573.1, NM_001271282.3, NM_001291628.2 and 1 more transcripts).
Identifiers: ClinVar variation 1076731 (VCV001076731.8), dbSNP rs2139852861, ClinGen allele CA2499222799.